The following is an entry in ClinVar:

ClinVar aggregate classification (germline): Uncertain significance. Review status: criteria provided, multiple submitters, no conflicts (2 of 4 stars). 2 submissions from 2 submitters: Uncertain significance (2). Last evaluated 2022-04-16.

Conditions:
Jeune thoracic dystrophy. Also called: Short-rib thoracic dysplasia; Infantile thoracic dystrophy; Thoracic pelvic phalangeal dystrophy; Jeune's syndrome; Chondroectodermal dysplasia-like syndrome; Jeune syndrome. Identifiers: Orphanet 474, MedGen C0265275, MONDO:0018770.
Nephronophthisis. Also called: Juvenile Nephronophthisis. Identifiers: Orphanet 655, MedGen C0687120, MONDO:0019005, HP:0000090.

Allele frequency attached by ClinVar (database versions not stated): ExAC 0.00002.
gnomAD v4.1: 35 of 1,613,962 alleles (0.0022%); highest among the groups gnomAD compares: East Asian, 0.0045%; no homozygotes.

Submissions (2):

Labcorp Genetics (formerly Invitae), Labcorp
Classification: Uncertain significance for Jeune thoracic dystrophy; Nephronophthisis. Last evaluated: 2022-04-16. Review status: criteria provided, single submitter. Criteria: Invitae Variant Classification Sherloc (09022015). Collection method: clinical testing. Allele origin: germline.
Comment: This sequence change replaces alanine, which is neutral and non-polar, with threonine, which is neutral and polar, at codon 582 of the TTC21B protein (p.Ala582Thr). This variant is present in population databases (rs755056642, gnomAD 0.006%). This variant has not been reported in the literature in individuals affected with TTC21B-related conditions. Algorithms developed to predict the effect of missense changes on protein structure and function are either unavailable or do not agree on the potential impact of this missense change (SIFT: "Deleterious"; PolyPhen-2: "Possibly Damaging"; Align-GVGD: "Class C0"). In summary, the available evidence is currently insufficient to determine the role of this variant in disease. Therefore, it has been classified as a Variant of Uncertain Significance.

AiLife Diagnostics
Classification: Uncertain significance. Last evaluated: 2022-02-16. Review status: criteria provided, single submitter. Criteria: ACMG Guidelines, 2015. Collection method: clinical testing. Allele origin: germline. Affected: yes. Observed: 1 variant allele.

NM_024753.5(TTC21B):c.1744G>A (p.Ala582Thr)

Gene: TTC21B (tetratricopeptide repeat domain 21B; minus strand). Cytogenetic location: 2q24.3.
Variant type: single nucleotide variant.
Coding change: c.1744G>A on transcript NM_024753.5 (MANE Select); coding-DNA position 1744, G replaced by A.
Protein change: p.Ala582Thr; replaces alanine 582 with threonine.
Molecular consequence: missense variant.
Genome position (GRCh38, 1-based): chr2:165,917,412, C>T on the plus strand (G>A on the coding strand, the complement: TTC21B is on the minus strand). VCF-style: chr2-165917412-C-T. GRCh37 (hg19) VCF-style: chr2-166773922-C-T.
Other names: short protein forms A582T.
Identifiers: ClinVar variation 1409693 (VCV001409693.4), dbSNP rs755056642, ClinGen allele CA1942026.